The following is an entry in ClinVar:

ClinVar aggregate classification (germline): Uncertain significance (1 of 4 stars; one submission).

Conditions:
Arrhythmogenic right ventricular dysplasia 10. Also called: Arrhythmogenic Right Ventricular Dysplasia/Cardiomyopathy10; ARRHYTHMOGENIC RIGHT VENTRICULAR DYSPLASIA, FAMILIAL, 10; Arrhythmogenic right ventricular dysplasia/cardiomyopathy, type 10. Identifiers: MedGen C1857777, MONDO:0012434, OMIM 610193.

Submission:

Labcorp Genetics (formerly Invitae), Labcorp
Classification: Uncertain significance for Arrhythmogenic right ventricular dysplasia 10. Last evaluated: 2024-03-21. Review status: criteria provided, single submitter. Criteria: Invitae Variant Classification Sherloc (09022015). Collection method: clinical testing. Allele origin: germline.
Comment: This sequence change replaces aspartic acid, which is acidic and polar, with asparagine, which is neutral and polar, at codon 433 of the DSG2 protein (p.Asp433Asn). This variant is not present in population databases (gnomAD no frequency). This variant has not been reported in the literature in individuals affected with DSG2-related conditions. ClinVar contains an entry for this variant (Variation ID: 534682). Advanced modeling of protein sequence and biophysical properties (such as structural, functional, and spatial information, amino acid conservation, physicochemical variation, residue mobility, and thermodynamic stability) performed at Invitae indicates that this missense variant is not expected to disrupt DSG2 protein function with a negative predictive value of 95%. In summary, the available evidence is currently insufficient to determine the role of this variant in disease. Therefore, it has been classified as a Variant of Uncertain Significance.

NM_001943.5(DSG2):c.1297G>A (p.Asp433Asn)

Gene: DSG2 (desmoglein 2; plus strand). Cytogenetic location: 18q12.1.
Variant type: single nucleotide variant.
Coding change: c.1297G>A on transcript NM_001943.5 (MANE Select); coding-DNA position 1297, G replaced by A.
Protein change: p.Asp433Asn; replaces aspartic acid 433 with asparagine.
Molecular consequence: missense variant.
Genome position (GRCh38, 1-based): chr18:31,535,286, G>A. VCF-style: chr18-31535286-G-A. GRCh37 (hg19) VCF-style: chr18-29115249-G-A.
Other names: c.1297G>A (LRG_397t1); short protein forms D433N.
Identifiers: ClinVar variation 534682 (VCV000534682.8), dbSNP rs938919152, ClinGen allele CA297740357.